The following is an entry in ClinVar:

NM_000169.3(GLA):c.988C>T (p.Gln330Ter)

Genes: GLA (galactosidase alpha; minus strand), RPL36A-HNRNPH2 (RPL36A-HNRNPH2 readthrough; plus strand). Cytogenetic location: Xq22.1.
Variant type: single nucleotide variant.
Coding change: c.988C>T on transcript NM_000169.3 (MANE Select); coding-DNA position 988, C replaced by T.
Protein change: p.Gln330Ter; replaces glutamine 330 with a stop codon.
Molecular consequence: nonsense. On other transcripts: non-coding transcript variant (3), intron variant (2).
Genome position (GRCh38, 1-based): chrX:101,398,381, G>A on the plus strand (C>T on the coding strand, the complement: GLA is on the minus strand). VCF-style: chrX-101398381-G-A. GRCh37 (hg19) VCF-style: chrX-100653369-G-A.
Other names: c.1111C>T, p.Gln371Ter (NM_001406747.1); c.988C>T, p.Gln330Ter (NM_001406748.1); c.300+2924G>A (NM_001199973.2); c.177+6559G>A (NM_001199974.2); short protein forms Q330*, Q371*.
Identifiers: ClinVar variation 4087188 (VCV004087188.2).

ClinVar aggregate classification (germline): Pathogenic (1 of 4 stars; one submission).

Conditions:
Fabry disease. Also called: ALPHA-GALACTOSIDASE A DEFICIENCY; ANDERSON-FABRY DISEASE; CERAMIDE TRIHEXOSIDASE DEFICIENCY; GLA DEFICIENCY; HEREDITARY DYSTOPIC LIPIDOSIS; Angiokeratoma corporis diffusum. Identifiers: Orphanet 324, MedGen C0002986, MONDO:0010526, OMIM 301500, HP:0001071. Disease mechanism: Fabry disease is due to inactivating mutations in the X-linked GLA gene resulting in deficiency of the enzyme Alpha Galactosidase-A., loss of function.

Submission:

Genomenon, Inc
Classification: Pathogenic for Fabry disease. Last evaluated: 2026-09-08. Review status: criteria provided, single submitter. Criteria: Genomenon Sequence Variant Interpretation Standards - Updated. Collection method: curation. Allele origin: germline. Affected: yes.
Comment: GLA p.Gln330Ter (c.988C>T) is a nonsense variant that introduces a premature stop codon at amino acid position 330 and is predicted to result in a truncated or absent protein product. This variant has been observed in at least one proband with clinical features consistent with Fabry disease (PMID:15712198). The variant was found to segregate with disease in at least one affected family (PMID:15712198). A de novo occurrence of this variant has been observed in at least one affected individual (PMID:15712198). Functional or patient cell studies have been reported (PMID:31613176;15712198). It is absent or not present at a significant frequency in gnomAD. In conclusion, we classify GLA p.Gln330Ter (c.988C>T) as a pathogenic variant.

Literature cited by the submitters: PubMed 15712198; PubMed 31613176.